The following is an entry in ClinVar:

ClinVar aggregate classification (germline): Uncertain significance (1 of 4 stars; one submission).

Conditions:
Parkinsonian disorder. Also called: Parkinsonism. Identifiers: MedGen C0242422, MONDO:0021095, HP:0001300.
Vascular parkinsonism. Identifiers: MedGen C0393568, MONDO:0956980.
Parkinson disease (PD). Identifiers: MedGen C0030567, MeSH D010300, MONDO:0005180.

Submission:

The Egyptian Network for Neurodegenerative Diseases (ENND), The American University in Cairo
Classification: Uncertain significance for Vascular parkinsonism; Parkinsonian disorder; Parkinson disease. Last evaluated: 2024-10-01. Review status: criteria provided, single submitter. Criteria: ACMG Guidelines, 2015. Collection method: research. Allele origin: germline. Affected: yes.
Comment: All the PSP-reported mutations, p.P2855L, p.R3146C, p.G3627V, p.P3866A, fall within disordered regions, similar to this observed variant. BSN mutations have also been associated with epilepsy highlighting its involvement in neurological function (PMID:36600631). Further study of the significance of BSN mutations in parkinsonism/PD is needed. We observed 2 other VUS in BSN in 2 other vascular parkinsonism patients.

Literature cited by the submitters: PubMed 40786864; PubMed 29339765; PubMed 30833663; PubMed 36600631.

NM_003458.4(BSN):c.9862G>A (p.Glu3288Lys)

Gene: BSN (bassoon presynaptic cytomatrix protein; plus strand). Cytogenetic location: 3p21.31.
Variant type: single nucleotide variant.
Coding change: c.9862G>A on transcript NM_003458.4 (MANE Select); coding-DNA position 9862, G replaced by A.
Protein change: p.Glu3288Lys; replaces glutamic acid 3288 with lysine.
Molecular consequence: missense variant.
Genome position (GRCh38, 1-based): chr3:49,661,707, G>A. VCF-style: chr3-49661707-G-A. GRCh37 (hg19) VCF-style: chr3-49699140-G-A.
Other names: short protein forms E3288K.
Identifiers: ClinVar variation 4075748 (VCV004075748.1).